The following is an entry in ClinVar:

NM_017934.7(PHIP):c.2363del (p.Lys788fs)

Gene: PHIP (PHIP subunit of CUL4-Ring ligase complex; minus strand). Cytogenetic location: 6q14.1.
Variant type: Deletion.
Coding change: c.2363del on transcript NM_017934.7 (MANE Select); coding-DNA position 2363, one base deleted (A; older notation c.2363delA).
Protein change: p.Lys788fs; shifts the reading frame from lysine 788.
Molecular consequence: frameshift variant.
Genome position (GRCh38, 1-based): chr6:78,988,306, T deleted on the plus strand (A on the coding strand, the reverse complement: PHIP is on the minus strand); the first of 5 consecutive T bases (chr6:78,988,306-78,988,310); deleting any one gives the same sequence. VCF-style (leftmost placement, unchanged base first): chr6-78988305-CT-C. GRCh37 (hg19) VCF-style: chr6-79698022-CT-C.
Other names: short protein forms K788fs.
Identifiers: ClinVar variation 2227896 (VCV002227896.2), dbSNP rs2127721830, ClinGen allele CA2578675881.
Genomic context (GRCh38, chr6:78,988,305, plus strand): 5'-GGGTCTAGGAGTCTCTTCCAATGCAGATCTTGTACGATAATTGTGTTGATTTGTCTGTTG[CT>C]TTTTGGATTCTCCAAGATCCAGGAAATGCTCATGAGCATGATTCTAGAAAAAAATAAATT-3'

ClinVar aggregate classification (germline): Pathogenic (1 of 4 stars; one submission).

Conditions:
Inborn genetic diseases. Identifiers: MedGen C0950123, MeSH D030342.

Submission:

Ambry Genetics
Classification: Pathogenic for Inborn genetic diseases. Last evaluated: 2020-11-12. Review status: criteria provided, single submitter. Criteria: Ambry Variant Classification Scheme 2023. Collection method: clinical testing. Allele origin: germline.
Comment: The c.2363delA (p.K788Sfs*25) alteration, located in exon 21 (coding exon 21) of the PHIP gene, consists of a deletion of one nucleotide at position 2363, causing a translational frameshift with a predicted alternate stop codon after 25 amino acids. This alteration is expected to result in loss of function by premature protein truncation or nonsense-mediated mRNA decay. Based on the available evidence, this alteration is classified as pathogenic.